The following is an entry in ClinVar:

ClinVar aggregate classification (germline): Likely benign. Review status: criteria provided, multiple submitters, no conflicts (2 of 4 stars). 4 submissions from 4 submitters: Likely benign (3). 1 of the submissions does not count toward it. Last evaluated 2025-12-29.

Conditions:
LAMA5-related disorder. Also called: LAMA5-related condition; LAMA5-Related Disorders.

Allele frequency attached by ClinVar (database versions not stated): ExAC 0.00012; 1000 Genomes Project 30x 0.00016; 1000 Genomes Project 0.00020; ESP Exome Variant Server 0.00031; gnomAD 0.00049.
gnomAD v4.1: 179 of 1,608,004 alleles (0.011%); highest among the groups gnomAD compares: African/African-American, 0.19%; no homozygotes.

Submissions (4):

Labcorp Genetics (formerly Invitae), Labcorp
Classification: Likely benign. Last evaluated: 2025-12-29. Review status: criteria provided, single submitter. Criteria: Invitae Variant Classification Sherloc (09022015). Collection method: clinical testing. Allele origin: germline.

CeGaT Center for Human Genetics Tuebingen
Classification: Likely benign. Last evaluated: 2025-09-01. Review status: criteria provided, single submitter. Criteria: CeGaT Center For Human Genetics Tuebingen Variant Classification Criteria Version 2. Collection method: clinical testing. Allele origin: germline. Affected: yes. Observed: 1 variant allele.
Comment: LAMA5: BP4, BP7

Mayo Clinic Laboratories, Mayo Clinic
Classification: Likely benign. Last evaluated: 2025-07-25. Review status: criteria provided, single submitter. Criteria: ACMG Guidelines, 2015. Collection method: clinical testing. Allele origin: germline. Observed: 1 variant allele.
Comment: BP4, BP7

PreventionGenetics, part of Exact Sciences
Classification: Likely benign for LAMA5-related condition. Last evaluated: 2022-05-05. Review status: no assertion criteria provided. Collection method: clinical testing. Allele origin: germline. Not counted in ClinVar's aggregate classification.
Comment: This variant is classified as likely benign based on ACMG/AMP sequence variant interpretation guidelines (Richards et al. 2015 PMID: 25741868, with internal and published modifications).

NM_005560.6(LAMA5):c.7827G>A (p.Ala2609=)

Gene: LAMA5 (laminin subunit alpha 5; minus strand). Cytogenetic location: 20q13.33.
Variant type: single nucleotide variant.
Coding change: c.7827G>A on transcript NM_005560.6 (MANE Select); coding-DNA position 7827, G replaced by A.
Protein change: p.Ala2609=; no amino-acid change (alanine 2609 retained).
Molecular consequence: synonymous variant.
Genome position (GRCh38, 1-based): chr20:62,315,988, C>T on the plus strand (G>A on the coding strand, the complement: LAMA5 is on the minus strand). VCF-style: chr20-62315988-C-T. GRCh37 (hg19) VCF-style: chr20-60891044-C-T.
Other names: p.Ala2609=; c.7827G>A (NM_005560.4).
Identifiers: ClinVar variation 2072233 (VCV002072233.14), dbSNP rs143175635, ClinGen allele CA9941019.
Genomic context (GRCh38, chr20:62,315,988, plus strand): 5'-CGGGCCCAGGCTCCGCATACCTGTGTCCATGGCAAGCATGGCCTGCGCCGCCTGGATGTG[C>T]GCCTCCAGCTGGTCCTTCTTGGCCCGGACATCTCGGAGCTGGGTCCTGGCACCCTGGAGG-3'
Protein context (NP_005551.3, residues 2599-2619): DVRAKKDQLE[Ala2609=]HIQAAQAMLA